The following is an entry in ClinVar:

ClinVar aggregate classification (germline): Uncertain significance (1 of 4 stars; one submission).

Conditions:
Inborn genetic diseases. Identifiers: MedGen C0950123, MeSH D030342.

Submission:

Ambry Genetics
Classification: Uncertain significance for Inborn genetic diseases. Last evaluated: 2023-11-05. Review status: criteria provided, single submitter. Criteria: Ambry Variant Classification Scheme 2023. Collection method: clinical testing. Allele origin: germline.
Comment: The p.H517P variant (also known as c.1550A>C), located in coding exon 11 of the MIB1 gene, results from an A to C substitution at nucleotide position 1550. The histidine at codon 517 is replaced by proline, an amino acid with similar properties. This amino acid position is conserved. In addition, this alteration is predicted to be tolerated by in silico analysis. Since supporting evidence is limited at this time, the clinical significance of this alteration remains unclear.

NM_020774.4(MIB1):c.1550A>C (p.His517Pro)

Gene: MIB1 (MIB E3 ubiquitin protein ligase 1; plus strand). Cytogenetic location: 18q11.2.
Variant type: single nucleotide variant.
Coding change: c.1550A>C on transcript NM_020774.4 (MANE Select); coding-DNA position 1550, A replaced by C.
Protein change: p.His517Pro; replaces histidine 517 with proline.
Molecular consequence: missense variant.
Genome position (GRCh38, 1-based): chr18:21,815,686, A>C. VCF-style: chr18-21815686-A-C. GRCh37 (hg19) VCF-style: chr18-19395647-A-C.
Other names: short protein forms H517P.
Identifiers: ClinVar variation 3227406 (VCV003227406.1), dbSNP rs2510746846, ClinGen allele CA401758000.
Genomic context (GRCh38, chr18:21,815,686, plus strand): 5'-GTGATAGAGCAGTTCACCATGCAGCTTTTGGAGATGAAGGCGCTGTTATAGAAGTACTAC[A>C]TCGAGGTAGTGCTGATTTGAATGCTCGAAACAAGCGCCGACAGACACCACTTCATATTGC-3'
Protein context (NP_065825.1, residues 507-527): GDEGAVIEVL[His517Pro]RGSADLNARN